The following is an entry in ClinVar:

NM_201384.3(PLEC):c.11392C>T (p.Arg3798Trp)

Gene: PLEC (plectin; minus strand). Cytogenetic location: 8q24.3.
Variant type: single nucleotide variant.
Coding change: c.11392C>T on transcript NM_201384.3 (MANE Select); coding-DNA position 11392, C replaced by T.
Protein change: p.Arg3798Trp; replaces arginine 3798 with tryptophan.
Molecular consequence: missense variant.
Genome position (GRCh38, 1-based): chr8:143,918,429, G>A on the plus strand (C>T on the coding strand, the complement: PLEC is on the minus strand). VCF-style: chr8-143918429-G-A. GRCh37 (hg19) VCF-style: chr8-144992597-G-A.
Other names: c.11473C>T (NM_000445.3); c.11473C>T, p.Arg3825Trp (NM_000445.5); c.11350C>T, p.Arg3784Trp (NM_201378.4); c.11326C>T, p.Arg3776Trp (NM_201379.3); c.11803C>T, p.Arg3935Trp (NM_201380.4); c.11296C>T, p.Arg3766Trp (NM_201381.3); c.11392C>T, p.Arg3798Trp (NM_201382.4); c.11404C>T, p.Arg3802Trp (NM_201383.3); short protein forms R3798W, R3776W, R3766W, R3784W, R3802W, R3825W, R3935W.
Identifiers: ClinVar variation 574088 (VCV000574088.13), dbSNP rs782111846, ClinGen allele CA4924361.
Genomic context (GRCh38, chr8:143,918,429, plus strand): 5'-GGTGGAAGCCCAGGCGGGGGTCCACGATGCCGCCGGTGGCCAGCTGGGCATCCAGCAGCC[G>A]CAGGGCCTCCTCAGTAGGGATCAGCTCCTTCTTCATGGCCTGGAAGAGCGAGATGGTCTG-3'
Protein context (NP_958786.1, residues 3788-3808): KELIPTEEAL[Arg3798Trp]LLDAQLATGG

ClinVar aggregate classification (germline): Uncertain significance. Review status: criteria provided, multiple submitters, no conflicts (2 of 4 stars). 2 submissions from 2 submitters: Uncertain significance (2). Last evaluated 2024-01-29.

Conditions:
Epidermolysis bullosa simplex 5C, with pyloric atresia (EBS5C). Also called: PLEC-Related Epidermolysis Bullosa with Pyloric Atresia; Epidermolysis bullosa simplex with pyloric atresia; PLEC1-Related Epidermolysis Bullosa with Pyloric Atresia. Identifiers: Orphanet 158684, MedGen C2677349, MONDO:0012807, OMIM 612138.
Epidermolysis bullosa simplex with nail dystrophy (EBS5D). Identifiers: MedGen C4225309, MONDO:0014661, OMIM 616487.
Epidermolysis bullosa simplex 5B, with muscular dystrophy (EBS5B). Also called: Epidermolysis bullosa simplex with muscular dystrophy; EPIDERMOLYSIS BULLOSA SIMPLEX AND LIMB-GIRDLE MUSCULAR DYSTROPHY. Identifiers: Orphanet 257, MedGen C2931072, MONDO:0009181, OMIM 226670.
Autosomal recessive limb-girdle muscular dystrophy type 2Q (LGMDR17). Also called: MUSCULAR DYSTROPHY, LIMB-GIRDLE, AUTOSOMAL RECESSIVE 17. Identifiers: Orphanet 254361, MedGen C3150989, MONDO:0013390, OMIM 613723.
Epidermolysis bullosa simplex, Ogna type (EBS5A). Also called: Pidermolysis bullosa simplex 5A, Ogna type; EPIDERMOLYSIS BULLOSA SIMPLEX 5A, OGNA TYPE. Identifiers: Orphanet 79401, MedGen C0432317, MONDO:0007555, OMIM 131950.

Allele frequency attached by ClinVar (database versions not stated): ExAC 0.00003; TOPMed 0.00003.
gnomAD v4.1: 18 of 1,577,248 alleles (0.0011%); highest among the groups gnomAD compares: East Asian, 0.0046%; no homozygotes.

Submissions (2):

Labcorp Genetics (formerly Invitae), Labcorp
Classification: Uncertain significance for Autosomal recessive limb-girdle muscular dystrophy type 2Q; Epidermolysis bullosa simplex, Ogna type; Epidermolysis bullosa simplex with nail dystrophy; Epidermolysis bullosa simplex 5C, with pyloric atresia; Epidermolysis bullosa simplex 5B, with muscular dystrophy. Last evaluated: 2024-01-29. Review status: criteria provided, single submitter. Criteria: Invitae Variant Classification Sherloc (09022015). Collection method: clinical testing. Allele origin: germline.
Comment: This sequence change replaces arginine, which is basic and polar, with tryptophan, which is neutral and slightly polar, at codon 3825 of the PLEC protein (p.Arg3825Trp). The frequency data for this variant in the population databases is considered unreliable, as metrics indicate poor data quality at this position in the gnomAD database. This variant has not been reported in the literature in individuals affected with PLEC-related conditions. ClinVar contains an entry for this variant (Variation ID: 574088). An algorithm developed to predict the effect of missense changes on protein structure and function (PolyPhen-2) suggests that this variant is likely to be disruptive. In summary, the available evidence is currently insufficient to determine the role of this variant in disease. Therefore, it has been classified as a Variant of Uncertain Significance.

Revvity Omics, Revvity
Classification: Uncertain significance. Last evaluated: 2019-05-20. Review status: criteria provided, single submitter. Criteria: ACMG Guidelines, 2015. Collection method: clinical testing. Allele origin: germline.